The following is an entry in ClinVar:

NM_014297.5(ETHE1):c.554T>G (p.Leu185Arg)

Gene: ETHE1 (ETHE1 persulfide dioxygenase; minus strand). Cytogenetic location: 19q13.31.
Variant type: single nucleotide variant.
Coding change: c.554T>G on transcript NM_014297.5 (MANE Select); coding-DNA position 554, T replaced by G.
Protein change: p.Leu185Arg; replaces leucine 185 with arginine.
Molecular consequence: missense variant.
Genome position (GRCh38, 1-based): chr19:43,508,816, A>C on the plus strand (T>G on the coding strand, the complement: ETHE1 is on the minus strand). VCF-style: chr19-43508816-A-C. GRCh37 (hg19) VCF-style: chr19-44012968-A-C.
Other names: c.554T>G (NM_014297.4); c.521T>G, p.Leu174Arg (NM_001320867.2); c.185T>G, p.Leu62Arg (NM_001320868.2); c.260T>G, p.Leu87Arg (NM_001320869.2); short protein forms L185R, L62R, L87R, L174R.
Identifiers: ClinVar variation 30725 (VCV000030725.31), dbSNP rs387906987, ClinGen allele CA129416.

ClinVar aggregate classification (germline): Pathogenic. Review status: criteria provided, multiple submitters, no conflicts (2 of 4 stars). 10 submissions from 10 submitters: Pathogenic (8). 2 of the submissions do not count toward it. Last evaluated 2025-12-15.

Conditions:
ETHE1-related disorders.
Ethylmalonic encephalopathy (EE). Also called: Syndrome of encephalopathy, petechiae, and ethylmalonic aciduria; EPEMA syndrome; Encephalopathy, petechiae, and ethylmalonic aciduria. Identifiers: Orphanet 51188, MedGen C1865349, MONDO:0011229, OMIM 602473. Disease mechanism: loss of function.

Allele frequency attached by ClinVar (database versions not stated): gnomAD exomes 0.00001 and 0.00002; ExAC 0.00004; TOPMed 0.00001; gnomAD 0.00001.
gnomAD v4.1: 26 of 1,608,944 alleles (0.0016%); highest among the groups gnomAD compares: Non-Finnish European, 0.002%; no homozygotes.

Submissions (10):

Natera, Inc.
Classification: Pathogenic for Ethylmalonic encephalopathy. Last evaluated: 2025-12-15. Review status: criteria provided, single submitter. Criteria: Natera Variant Classification Schema (03/2026). Collection method: clinical testing. Allele origin: germline.
Comment: The c.554T>G variant in ETHE1 is a missense variant predicted to cause substitution of leucine to arginine at amino acid 185. This variant is rare in the general population with a frequency below the threshold expected for the associated phenotype(s). This variant has been observed in one or more individuals affected with the associated recessive disease, as either homozygous or compound heterozygous with a second variant (PMID: 27830356, 32860008, 19289697). Computational prediction algorithms indicate this variant is likely to affect gene or protein function. Given the available evidence, this variant is classified as Pathogenic.

Labcorp Genetics (formerly Invitae), Labcorp
Classification: Pathogenic for Ethylmalonic encephalopathy. Last evaluated: 2025-04-11. Review status: criteria provided, single submitter. Criteria: Invitae Variant Classification Sherloc (09022015). Collection method: clinical testing. Allele origin: germline.
Comment: This sequence change replaces leucine, which is neutral and non-polar, with arginine, which is basic and polar, at codon 185 of the ETHE1 protein (p.Leu185Arg). This variant is present in population databases (rs387906987, gnomAD 0.004%). This missense change has been observed in individual(s) with ethylmalonic encephalopathy (PMID: 14732903, 19289697, 20528888, 27830356). In at least one individual the data is consistent with being in trans (on the opposite chromosome) from a pathogenic variant. It has also been observed to segregate with disease in related individuals. ClinVar contains an entry for this variant (Variation ID: 30725). Invitae Evidence Modeling of protein sequence and biophysical properties (such as structural, functional, and spatial information, amino acid conservation, physicochemical variation, residue mobility, and thermodynamic stability) indicates that this missense variant is expected to disrupt ETHE1 protein function with a positive predictive value of 80%. For these reasons, this variant has been classified as Pathogenic.

Fulgent Genetics
Classification: Pathogenic for Ethylmalonic encephalopathy. Last evaluated: 2024-03-31. Review status: criteria provided, single submitter. Criteria: ACMG Guidelines, 2015. Collection method: clinical testing. Allele origin: germline.

Baylor Genetics
Classification: Pathogenic for Ethylmalonic encephalopathy. Last evaluated: 2024-02-26. Review status: criteria provided, single submitter. Criteria: ACMG Guidelines, 2015. Collection method: clinical testing. Allele origin: unknown.

Blueprint Genetics
Classification: Pathogenic for ETHE1-related disorders. Last evaluated: 2024-02-06. Review status: criteria provided, single submitter. Criteria: ACMG Guidelines, 2015. Collection method: clinical testing. Allele origin: germline. Affected: yes. Observed: 5 variant alleles.

MGZ Medical Genetics Center
Classification: Pathogenic for Ethylmalonic encephalopathy. Last evaluated: 2022-08-17. Review status: criteria provided, single submitter. Criteria: ACMG Guidelines, 2015. Collection method: clinical testing. Allele origin: germline. Affected: yes. Observed: 1 variant allele.
Comment: ACMG criteria applied: PS4, PM3, PM2_SUP, PP1, PP2, PP3

Institute of Human Genetics Munich, TUM University Hospital
Classification: Pathogenic for Ethylmalonic encephalopathy. Last evaluated: 2017-11-16. Review status: criteria provided, single submitter. Criteria: Classification criteria August 2017. Collection method: clinical testing. Allele origin: paternal. Inheritance: Autosomal recessive inheritance. Affected: yes. Observed: 1 compound heterozygote.

CENTOGENE GmbH and LLC - Guiding Precision Medicine
Classification: Pathogenic for Ethylmalonic encephalopathy. Review status: criteria provided, single submitter. Criteria: ACMG Guidelines, 2015. Collection method: clinical testing. Allele origin: germline. Affected: yes.

OMIM
Classification: Pathogenic for ENCEPHALOPATHY, ETHYLMALONIC. Last evaluated: 2011-04-01. Review status: no assertion criteria provided. Collection method: literature only. Allele origin: germline. Not counted in ClinVar's aggregate classification.

GeneReviews
No classification provided. Condition: Ethylmalonic encephalopathy. Review status: no classification provided. Collection method: literature only. Allele origin: germline. Not counted in ClinVar's aggregate classification.

Literature cited by the submitters: PubMed 27830356 (cited by Natera, Inc. and Labcorp Genetics (formerly Invitae), Labcorp); PubMed 32860008 (cited by Natera, Inc. and CENTOGENE GmbH and LLC - Guiding Precision Medicine); PubMed 19289697 (cited by 3 submitters); PubMed 14732903 (cited by Labcorp Genetics (formerly Invitae), Labcorp); PubMed 20528888 (cited by Labcorp Genetics (formerly Invitae), Labcorp and OMIM); NCBI Bookshelf NBK453432 (cited by GeneReviews); PubMed 28933811 (cited by GeneReviews).